The following is an entry in ClinVar:

ClinVar aggregate classification (germline): Pathogenic (1 of 4 stars; one submission).

Conditions:
Sialuria. Also called: SIALURIA, FRENCH TYPE; Sialic Acid Storage Disease. Identifiers: Orphanet 3166, MedGen C0342853, MONDO:0010028, OMIM 269921.
GNE myopathy (NM). Also called: IBM 2; Inclusion body myopathy autosomal recessive; Inclusion body myopathy quadriceps sparing; NONAKA DISTAL MYOPATHY; INCLUSION BODY MYOPATHY, HEREDITARY, AUTOSOMAL RECESSIVE; INCLUSION BODY MYOPATHY 2, AUTOSOMAL RECESSIVE. Identifiers: Orphanet 602, MedGen C1853926, MONDO:0011603, OMIM 605820.

Allele frequency attached by ClinVar (database versions not stated): gnomAD exomes below 0.00001.
gnomAD v4.1: 1 of 1,605,794 alleles (0.000062%); highest among the groups gnomAD compares: Admixed American, 0.0017%; no homozygotes.

Submission:

Labcorp Genetics (formerly Invitae), Labcorp
Classification: Pathogenic for Sialuria; GNE myopathy. Last evaluated: 2025-04-29. Review status: criteria provided, single submitter. Criteria: Invitae Variant Classification Sherloc (09022015). Collection method: clinical testing. Allele origin: germline.
Comment: This sequence change creates a premature translational stop signal (p.Gln381*) in the GNE gene. It is expected to result in an absent or disrupted protein product. Loss-of-function variants in GNE are known to be pathogenic (PMID: 24027297). This variant is present in population databases (no rsID available, gnomAD 0.003%). This variant has not been reported in the literature in individuals affected with GNE-related conditions. ClinVar contains an entry for this variant (Variation ID: 1453995). Algorithms developed to predict the effect of sequence changes on RNA splicing suggest that this variant may disrupt the consensus splice site. For these reasons, this variant has been classified as Pathogenic.

Literature cited by the submitters: PubMed 24027297.

NM_005476.7(GNE):c.1048C>T (p.Gln350Ter)

Gene: GNE (glucosamine (UDP-N-acetyl)-2-epimerase/N-acetylmannosamine kinase; minus strand). Cytogenetic location: 9p13.3.
Variant type: single nucleotide variant.
Coding change: c.1048C>T on transcript NM_005476.7 (MANE Select); coding-DNA position 1048, C replaced by T.
Protein change: p.Gln350Ter; replaces glutamine 350 with a stop codon.
Molecular consequence: nonsense.
Genome position (GRCh38, 1-based): chr9:36,229,043, G>A on the plus strand (C>T on the coding strand, the complement: GNE is on the minus strand). VCF-style: chr9-36229043-G-A. GRCh37 (hg19) VCF-style: chr9-36229040-G-A.
Other names: c.1141C>T, p.Gln381Ter (NM_001128227.3); c.1048C>T, p.Gln350Ter (NM_001190383.3); c.718C>T, p.Gln240Ter (NM_001190384.3); c.871C>T, p.Gln291Ter (NM_001190388.2, NM_001374798.1); c.895C>T, p.Gln299Ter (NM_001374797.1); short protein forms Q299*, Q291*, Q350*, Q240*, Q381*.
Identifiers: ClinVar variation 1453995 (VCV001453995.6), dbSNP rs1276168825, ClinGen allele CA373429943.